The following is an entry in ClinVar:

ClinVar aggregate classification (germline): Conflicting classifications of pathogenicity. Review status: criteria provided, conflicting classifications (1 of 4 stars). 2 submissions from 2 submitters: Likely pathogenic (1); Uncertain significance (1). Last evaluated 2022-07-03.

Conditions:
Hereditary spastic paraplegia 50 (SPG50). Also called: Spastic paraplegia 50, autosomal recessive. Identifiers: Orphanet 280763, MedGen C2752008, MONDO:0013048, OMIM 612936.
Hereditary spastic paraplegia. Also called: Familial spastic paraparesis. Identifiers: Orphanet 685, MedGen C0037773, MONDO:0019064. Disease mechanism: loss of function.

Allele frequency attached by ClinVar (database versions not stated): gnomAD 0.00001; gnomAD exomes 0.00001; ExAC 0.00002; TOPMed 0.00002.
gnomAD v4.1: 6 of 1,614,008 alleles (0.00037%); highest among the groups gnomAD compares: Admixed American, 0.0067%; no homozygotes.

Submissions (2):

Labcorp Genetics (formerly Invitae), Labcorp
Classification: Likely pathogenic for Hereditary spastic paraplegia 50. Last evaluated: 2022-07-03. Review status: criteria provided, single submitter. Criteria: Invitae Variant Classification Sherloc (09022015). Collection method: clinical testing. Allele origin: germline.
Comment: In summary, the currently available evidence indicates that the variant is pathogenic, but additional data are needed to prove that conclusively. Therefore, this variant has been classified as Likely Pathogenic. Algorithms developed to predict the effect of sequence changes on RNA splicing suggest that this variant may disrupt the consensus splice site. ClinVar contains an entry for this variant (Variation ID: 424662). Disruption of this splice site has been observed in individual(s) with hereditary spastic paraplegia (PMID: 28832565). This variant is present in population databases (rs755533568, gnomAD 0.009%). This sequence change affects an acceptor splice site in intron 7 of the AP4M1 gene. It is expected to disrupt RNA splicing. Variants that disrupt the donor or acceptor splice site typically lead to a loss of protein function (PMID: 16199547), and loss-of-function variants in AP4M1 are known to be pathogenic (PMID: 24700674, 25496299, 25558065).

Unit for Genetic & Epidemiological Research on Neurological Disorders, Instituto de Investigação e Inovação em Saúde
Classification: Uncertain significance for Hereditary spastic paraplegia. Last evaluated: 2017-03-07. Review status: criteria provided, single submitter. Criteria: Morais et al. (Eur J Hum Genet. 2017). Collection method: research. Allele origin: inherited. Affected: yes.

Literature cited by the submitters: PubMed 28832565 (cited by Labcorp Genetics (formerly Invitae), Labcorp); PubMed 16199547 (cited by Labcorp Genetics (formerly Invitae), Labcorp); PubMed 24700674 (cited by Labcorp Genetics (formerly Invitae), Labcorp); PubMed 25496299 (cited by Labcorp Genetics (formerly Invitae), Labcorp); PubMed 25558065 (cited by Labcorp Genetics (formerly Invitae), Labcorp).

NM_004722.4(AP4M1):c.607-2A>G

Gene: AP4M1 (adaptor related protein complex 4 subunit mu 1; plus strand). Cytogenetic location: 7q22.1.
Variant type: single nucleotide variant.
Coding change: c.607-2A>G on transcript NM_004722.4 (MANE Select); the canonical splice acceptor site of the intron before coding-DNA position 607, A replaced by G.
Molecular consequence: splice acceptor variant.
Genome position (GRCh38, 1-based): chr7:100,104,872, A>G. VCF-style: chr7-100104872-A-G. GRCh37 (hg19) VCF-style: chr7-99702495-A-G.
Other names: c.628-2A>G (NM_001363671.2).
Identifiers: ClinVar variation 424662 (VCV000424662.6), dbSNP rs755533568, ClinGen allele CA4374708.